The following is an entry in ClinVar:

ClinVar aggregate classification (germline): Likely pathogenic (1 of 4 stars; one submission).

Submission:

Labcorp Genetics (formerly Invitae), Labcorp
Classification: Likely pathogenic. Last evaluated: 2022-12-29. Review status: criteria provided, single submitter. Criteria: Invitae Variant Classification Sherloc (09022015). Collection method: clinical testing. Allele origin: germline.
Comment: In summary, the currently available evidence indicates that the variant is pathogenic, but additional data are needed to prove that conclusively. Therefore, this variant has been classified as Likely Pathogenic. Algorithms developed to predict the effect of sequence changes on RNA splicing suggest that this variant may disrupt the consensus splice site. This variant has not been reported in the literature in individuals affected with COL7A1-related conditions. This variant is not present in population databases (gnomAD no frequency). This variant results in the deletion of part of exon 9 (c.1094-7_1101del) of the COL7A1 gene. It is expected to disrupt RNA splicing. Variants that disrupt the donor or acceptor splice site typically lead to a loss of protein function (PMID: 16199547), and loss-of-function variants in COL7A1 are known to be pathogenic (PMID: 16971478).

Literature cited by the submitters: PubMed 16199547; PubMed 16971478.

NM_000094.4(COL7A1):c.1094-7_1101del

Gene: COL7A1 (collagen type VII alpha 1 chain; minus strand). Cytogenetic location: 3p21.31.
Variant type: Deletion.
Coding change: c.1094-7_1101del on transcript NM_000094.4 (MANE Select); 7 bases into the intron before coding-DNA position 1094 through coding-DNA position 1101, 15 bases deleted (CATGCAGGTGGGCCC).
Molecular consequence: splice acceptor variant.
Genome position (GRCh38, 1-based): chr3:48,592,241-48,592,255, GGGCCCACCTGCATG deleted on the plus strand (CATGCAGGTGGGCCC on the coding strand, the reverse complement: COL7A1 is on the minus strand); deleting any 15 consecutive bases within chr3:48,592,241-48,592,258 gives the same sequence; the c. name uses the placement nearest the transcript's 3' end. VCF-style (leftmost placement, unchanged base first): chr3-48592240-TGGGCCCACCTGCATG-T. GRCh37 (hg19) VCF-style: chr3-48629673-TGGGCCCACCTGCATG-T.
Identifiers: ClinVar variation 2792140 (VCV002792140.3), dbSNP rs2045755933, ClinGen allele CA1047677198.
Genomic context (GRCh38, chr3:48,592,240, plus strand): 5'-CAGGCTCCAAGTCACGCAGCAACACTGAACCCTGCCCAGGGCCCAGCTCCTGCTGCTGTG[TGGGCCCACCTGCATG>T]GGGGACACCAAGGGGCCAGTGGGCCTTGCAGACTCAGGACTCTACAGCCTTGTCTGAGGC-3'